The following is an entry in ClinVar:

NM_000062.3(SERPING1):c.1029+312T>C

Gene: SERPING1 (serpin family G member 1; plus strand). Cytogenetic location: 11q12.1.
Variant type: single nucleotide variant.
Coding change: c.1029+312T>C on transcript NM_000062.3 (MANE Select); 312 bases into the intron after coding-DNA position 1029, T replaced by C.
Molecular consequence: intron variant.
Genome position (GRCh38, 1-based): chr11:57,606,859, T>C. VCF-style: chr11-57606859-T-C. GRCh37 (hg19) VCF-style: chr11-57374332-T-C.
Other names: c.1029+312T>C (NM_001032295.2).
Identifiers: ClinVar variation 983254 (VCV000983254.5), dbSNP rs11603020, ClinGen allele CA13484489.

ClinVar aggregate classification (germline): Benign. Review status: criteria provided, multiple submitters, no conflicts (2 of 4 stars). 3 submissions from 3 submitters: Benign (3). Last evaluated 2021-05-15.

Conditions:
Hereditary angioedema type 1 (HAE1). Identifiers: Orphanet 100050, Orphanet 100051, Orphanet 91378, MedGen C2717906, MONDO:0015053, OMIM 106100.

Allele frequency attached by ClinVar (database versions not stated): 1000 Genomes Project 0.14896; 1000 Genomes Project 30x 0.15100; TOPMed 0.19608; gnomAD 0.21141 and 0.21296; gnomAD exomes 0.23854.
gnomAD v4.1: 138,967 of 599,040 alleles (23%); highest among the groups gnomAD compares: Non-Finnish European, 27%; 17,573 homozygotes.

Submissions (3):

GeneDx
Classification: Benign. Last evaluated: 2021-05-15. Review status: criteria provided, single submitter. Criteria: GeneDx Variant Classification Process June 2021. Collection method: clinical testing. Allele origin: germline. Affected: yes.

Breakthrough Genomics
Classification: Benign. Review status: criteria provided, single submitter. Criteria: ACMG Guidelines, 2015. Collection method: not provided. Allele origin: germline. Inheritance: Autosomal recessive inheritance. Affected: yes.

CeMIA
Classification: Benign for Hereditary angioedema type 1. Review status: criteria provided, single submitter. Criteria: ACMG Guidelines, 2015. Collection method: clinical testing. Allele origin: germline. Affected: yes.
Comment: This variant is considered likely benign or benign based on one or more of the following criteria: allele frequency is >5% in Exome Sequencing Project, 1000 Genomes Project, or Exome Aggregation Consortium (BA1), allele frequency is greater than expected for disorder (BS1), it is observed in a healthy adult individual (BS2), it is predicted to be benign by multiple in silico algorithms (BP4), it is found in a case with an alternate molecular basis for the disease (BP5) and/or reputable source recently reports variant as benign (BP6).

Literature cited by the submitters: PubMed 31959500 (cited by CeMIA).